The following is an entry in ClinVar:

NM_004553.6(NDUFS6):c.257C>T (p.Ala86Val)

Gene: NDUFS6 (NADH:ubiquinone oxidoreductase subunit S6; plus strand). Cytogenetic location: 5p15.33.
Variant type: single nucleotide variant.
Coding change: c.257C>T on transcript NM_004553.6 (MANE Select); coding-DNA position 257, C replaced by T.
Protein change: p.Ala86Val; replaces alanine 86 with valine.
Molecular consequence: missense variant.
Genome position (GRCh38, 1-based): chr5:1,814,409, C>T. VCF-style: chr5-1814409-C-T. GRCh37 (hg19) VCF-style: chr5-1814523-C-T.
Other names: p.A86V:GCG>GTG; short protein forms A86V.
Identifiers: ClinVar variation 214821 (VCV000214821.5), dbSNP rs192286856, ClinGen allele CA320523.

ClinVar aggregate classification (germline): Uncertain significance. Review status: criteria provided, multiple submitters, no conflicts (2 of 4 stars). 3 submissions from 3 submitters: Uncertain significance (2). 1 of the submissions does not count toward it. Last evaluated 2022-05-16.

Conditions:
Mitochondrial complex I deficiency. Also called: NADH:Q(1) OXIDOREDUCTASE DEFICIENCY. Identifiers: Orphanet 2609, MedGen C1838979, MeSH C537475, MONDO:0100133.

Allele frequency attached by ClinVar (database versions not stated): ESP Exome Variant Server 0.00015; TOPMed 0.00015; gnomAD 0.00028; 1000 Genomes Project 30x 0.00031; 1000 Genomes Project 0.00040.
gnomAD v4.1: 177 of 1,614,120 alleles (0.011%); highest among the groups gnomAD compares: African/African-American, 0.045%; 2 homozygotes.

Submissions (3):

Labcorp Genetics (formerly Invitae), Labcorp
Classification: Uncertain significance. Last evaluated: 2022-05-16. Review status: criteria provided, single submitter. Criteria: Invitae Variant Classification Sherloc (09022015). Collection method: clinical testing. Allele origin: germline.
Comment: This sequence change replaces alanine, which is neutral and non-polar, with valine, which is neutral and non-polar, at codon 86 of the NDUFS6 protein (p.Ala86Val). This variant is present in population databases (rs192286856, gnomAD 0.2%). This variant has not been reported in the literature in individuals affected with NDUFS6-related conditions. ClinVar contains an entry for this variant (Variation ID: 214821). Algorithms developed to predict the effect of missense changes on protein structure and function are either unavailable or do not agree on the potential impact of this missense change (SIFT: "Tolerated"; PolyPhen-2: "Possibly Damaging"; Align-GVGD: "Class C0"). In summary, the available evidence is currently insufficient to determine the role of this variant in disease. Therefore, it has been classified as a Variant of Uncertain Significance.

GeneDx
Classification: Uncertain significance. Last evaluated: 2014-07-01. Review status: criteria provided, single submitter. Criteria: GeneDx Variant Classification (06012015). Collection method: clinical testing. Allele origin: germline. Affected: yes.
Comment: p.Ala86Val (GCG>GTG): c.257 C>T in exon 3 of the NDUFS6 gene (NM_004553.3) A variant of unknown significance has been identified in the NDUFS6 gene. The A86V variant has not been published as a mutation, nor has it been reported as a benign polymorphism to our knowledge. The A86V variant is a conservative amino acid substitution, which is not likely to impact secondary protein structure as these residues share similar properties. This substitution occurs at a position that is conserved in mammals. In silico analysis predicts this variant likely does not alter the protein structure/function. Therefore, based on the currently available information, it is unclear whether this variant is a pathogenic mutation or a rare benign variant. The variant is found in LAPDH-MITOP panel(s).

Natera, Inc.
Classification: Uncertain significance for Mitochondrial complex I deficiency. Last evaluated: 2019-11-11. Review status: no assertion criteria provided. Collection method: clinical testing. Allele origin: germline. Not counted in ClinVar's aggregate classification.